The following is an entry in ClinVar:

NM_000038.6(APC):c.6167T>G (p.Leu2056Arg)

Gene: APC (APC regulator of Wnt signaling pathway; plus strand). Cytogenetic location: 5q22.2.
Variant type: single nucleotide variant.
Coding change: c.6167T>G on transcript NM_000038.6 (MANE Select); coding-DNA position 6167, T replaced by G.
Protein change: p.Leu2056Arg; replaces leucine 2056 with arginine.
Molecular consequence: missense variant.
Genome position (GRCh38, 1-based): chr5:112,841,761, T>G. VCF-style: chr5-112841761-T-G. GRCh37 (hg19) VCF-style: chr5-112177458-T-G.
Other names: c.6167T>G, p.Leu2056Arg (NM_001127510.3, NM_001354895.2, NM_001407450.1); c.6113T>G, p.Leu2038Arg (NM_001127511.3); c.6221T>G, p.Leu2074Arg (NM_001354896.2, NM_001407447.1, NM_001407448.1 and 1 more transcripts); c.6197T>G, p.Leu2066Arg (NM_001354897.2); c.6092T>G, p.Leu2031Arg (NM_001354898.2); c.6083T>G, p.Leu2028Arg (NM_001354899.2); c.6044T>G, p.Leu2015Arg (NM_001354900.2); c.5990T>G, p.Leu1997Arg (NM_001354901.2, NM_001407453.1); and 12 more; short protein forms L1955R, L2049R, L2056R, L2074R, L1773R, L1896R, L1930R, L1973R.
Identifiers: ClinVar variation 1980392 (VCV001980392.5), dbSNP rs2149958710, ClinGen allele CA16034838.

ClinVar aggregate classification (germline): Uncertain significance. Review status: criteria provided, multiple submitters, no conflicts (2 of 4 stars). 2 submissions from 2 submitters: Uncertain significance (2). Last evaluated 2025-11-05.

Conditions:
Hereditary cancer-predisposing syndrome. Also called: Hereditary Cancer Syndrome; Neoplastic Syndromes, Hereditary; Tumor predisposition; Hereditary neoplastic syndrome. Identifiers: Orphanet 140162, MedGen C0027672, MeSH D009386, MONDO:0015356.
Familial adenomatous polyposis 1 (FAP1). Also called: FAMILIAL ADENOMATOUS POLYPOSIS 1, ATTENUATED; POLYPOSIS, ADENOMATOUS INTESTINAL. Identifiers: MedGen C2713442, MONDO:0021056, OMIM 175100. Disease mechanism: loss of function.

Submissions (2):

Ambry Genetics
Classification: Uncertain significance for Hereditary cancer-predisposing syndrome. Last evaluated: 2025-11-05. Review status: criteria provided, single submitter. Criteria: Ambry Variant Classification Scheme 2023. Collection method: clinical testing. Allele origin: germline.

Labcorp Genetics (formerly Invitae), Labcorp
Classification: Uncertain significance for Familial adenomatous polyposis 1. Last evaluated: 2023-03-19. Review status: criteria provided, single submitter. Criteria: Invitae Variant Classification Sherloc (09022015). Collection method: clinical testing. Allele origin: germline.
Comment: This sequence change replaces leucine, which is neutral and non-polar, with arginine, which is basic and polar, at codon 2056 of the APC protein (p.Leu2056Arg). In summary, the available evidence is currently insufficient to determine the role of this variant in disease. Therefore, it has been classified as a Variant of Uncertain Significance. Advanced modeling of protein sequence and biophysical properties (such as structural, functional, and spatial information, amino acid conservation, physicochemical variation, residue mobility, and thermodynamic stability) performed at Invitae indicates that this missense variant is not expected to disrupt APC protein function. ClinVar contains an entry for this variant (Variation ID: 1980392). This variant has not been reported in the literature in individuals affected with APC-related conditions. This variant is not present in population databases (gnomAD no frequency).